The following is an entry in ClinVar:

ClinVar aggregate classification (germline): Uncertain significance (0 of 4 stars; one submission).

Conditions:
Prostate cancer. Also called: Malignant tumor of prostate. Identifiers: Orphanet 1331, MedGen C0376358, MONDO:0008315, HP:0012125.

Submission:

Science for Life laboratory,  Karolinska Institutet
Classification: Uncertain significance for Malignant tumor of prostate. Review status: no assertion criteria provided. Collection method: not provided. Allele origin: somatic.
Comment: TumorID:SWE-15
ClinVar note: Converted during submission from Unknown to Uncertain significance.

NM_001346252.4(USP28):c.571C>T (p.Leu191Phe)

Gene: USP28 (ubiquitin specific peptidase 28; minus strand). Cytogenetic location: 11q23.2.
Variant type: single nucleotide variant.
Coding change: c.571C>T on transcript NM_001346252.4 (MANE Select); coding-DNA position 571, C replaced by T.
Protein change: p.Leu191Phe; replaces leucine 191 with phenylalanine.
Molecular consequence: missense variant. On other transcripts: 5 prime UTR variant (16), non-coding transcript variant (1), intron variant (8).
Genome position (GRCh38, 1-based): chr11:113,834,299, G>A on the plus strand (C>T on the coding strand, the complement: USP28 is on the minus strand). VCF-style: chr11-113834299-G-A. GRCh37 (hg19) VCF-style: chr11-113705021-G-A.
Other names: c.571C>T, p.Leu191Phe (NM_001346258.2, NM_001346273.2, NM_001400785.1 and 5 more transcripts); c.493C>T, p.Leu165Phe (NM_001346259.2, NM_001400784.1, NM_001400789.1 and 4 more transcripts); c.196C>T, p.Leu66Phe (NM_001346260.2, NM_001346261.2, NM_001346262.2 and 3 more transcripts); c.-217C>T (NM_001346263.2, NM_001400803.1, NM_001400804.1 and 1 more transcripts); c.-278C>T (NM_001346264.2, NM_001346267.2, NM_001346268.2 and 1 more transcripts); c.-563C>T (NM_001346265.2, NM_001346269.2, NM_001346270.2 and 2 more transcripts); c.-566C>T (NM_001346272.2); c.562C>T, p.Leu188Phe (NM_001346255.2, NM_001400795.1, NM_001400796.1 and 1 more transcripts); and 6 more; short protein forms L191F, L66F, L165F, L188F.
Identifiers: ClinVar variation 161740 (VCV000161740.3), dbSNP rs193920846, ClinGen allele CA174700.
Genomic context (GRCh38, chr11:113,834,299, plus strand): 5'-ACCAACTTACTGTATGACTTCGACAATTTTCAAGTACATTTTGTGGCAGACTATAACTGA[G>A]AACAAGTCTTCGAAATTCAGGCAATTGAAAGAGAGACTGAAATAAAGAAAGAAAGGGATT-3'
Protein context (NP_001333181.1, residues 181-201): FQLPEFRRLV[Leu191Phe]SYSLPQNVLE